The following is an entry in ClinVar:

NM_000815.5(GABRD):c.425A>G (p.Lys142Arg)

Gene: GABRD (gamma-aminobutyric acid type A receptor subunit delta; plus strand). Cytogenetic location: 1p36.33.
Variant type: single nucleotide variant.
Coding change: c.425A>G on transcript NM_000815.5 (MANE Select); coding-DNA position 425, A replaced by G.
Protein change: p.Lys142Arg; replaces lysine 142 with arginine.
Molecular consequence: missense variant.
Genome position (GRCh38, 1-based): chr1:2,025,693, A>G. VCF-style: chr1-2025693-A-G. GRCh37 (hg19) VCF-style: chr1-1957132-A-G.
Other names: short protein forms K142R.
Identifiers: ClinVar variation 837929 (VCV000837929.9), dbSNP rs1183821856, ClinGen allele CA337957521.

ClinVar aggregate classification (germline): Uncertain significance (1 of 4 stars; one submission).

Conditions:
Idiopathic generalized epilepsy. Also called: Generalised epilepsy; EIG. Identifiers: MedGen C0270850, MONDO:0005579, OMIM 600669.

Allele frequency attached by ClinVar (database versions not stated): gnomAD 0.00001; TOPMed 0.00001.

Submission:

Labcorp Genetics (formerly Invitae), Labcorp
Classification: Uncertain significance for Idiopathic generalized epilepsy. Last evaluated: 2019-08-10. Review status: criteria provided, single submitter. Criteria: Invitae Variant Classification Sherloc (09022015). Collection method: clinical testing. Allele origin: germline.
Comment: Algorithms developed to predict the effect of missense changes on protein structure and function (SIFT, PolyPhen-2, Align-GVGD) all suggest that this variant is likely to be disruptive, but these predictions have not been confirmed by published functional studies and their clinical significance is uncertain. This variant has not been reported in the literature in individuals with GABRD-related conditions. This variant is not present in population databases (ExAC no frequency). This sequence change replaces lysine with arginine at codon 142 of the GABRD protein (p.Lys142Arg). The lysine residue is highly conserved and there is a small physicochemical difference between lysine and arginine. In summary, the available evidence is currently insufficient to determine the role of this variant in disease. Therefore, it has been classified as a Variant of Uncertain Significance.